The following is an entry in ClinVar:

NM_004970.3(IGFALS):c.1783C>T (p.Arg595Trp)

Gene: IGFALS (insulin like growth factor binding protein acid labile subunit; minus strand). Cytogenetic location: 16p13.3.
Variant type: single nucleotide variant.
Coding change: c.1783C>T on transcript NM_004970.3 (MANE Select); coding-DNA position 1783, C replaced by T.
Protein change: p.Arg595Trp; replaces arginine 595 with tryptophan.
Molecular consequence: missense variant. On other transcripts: non-coding transcript variant (1).
Genome position (GRCh38, 1-based): chr16:1,790,635, G>A on the plus strand (C>T on the coding strand, the complement: IGFALS is on the minus strand). VCF-style: chr16-1790635-G-A. GRCh37 (hg19) VCF-style: chr16-1840636-G-A.
Other names: c.1897C>T, p.Arg633Trp (NM_001146006.2); short protein forms R595W, R633W.
Identifiers: ClinVar variation 3069037 (VCV003069037.3), dbSNP rs776312123, ClinGen allele CA7820208.
Genomic context (GRCh38, chr16:1,790,635, plus strand): 5'-CCGGGGCTTGAGTCCGGGGACCTGGTCAGCAGGGAGCAAAGTGGGCCTCGCTGAGGTCCC[G>A]CAGGTCGAGCCCCACGACCTCGGGCGGGCTGGCACAGGTGATGTTGTTGTAGGTGTACGC-3'
Protein context (NP_004961.1, residues 585-605): SPPEVVGLDL[Arg595Trp]DLSEAHFAPC

ClinVar aggregate classification (germline): Uncertain significance (1 of 4 stars; one submission).

Allele frequency attached by ClinVar (database versions not stated): TOPMed 0.00001; gnomAD 0.00002; ExAC 0.00004; gnomAD exomes 0.00004; 1000 Genomes Project 30x 0.00016.

Submission:

Women's Health and Genetics/Laboratory Corporation of America, LabCorp
Classification: Uncertain significance. Last evaluated: 2024-02-15. Review status: criteria provided, single submitter. Criteria: LabCorp Variant Classification Summary - May 2015. Collection method: clinical testing. Allele origin: germline.
Comment: Variant summary: IGFALS c.1783C>T (p.Arg595Trp) results in a non-conservative amino acid change in the encoded protein sequence. Four of five in-silico tools predict a damaging effect of the variant on protein function. The variant allele was found at a frequency of 4.6e-05 in 197044 control chromosomes. The available data on variant occurrences in the general population are insufficient to allow any conclusion about variant significance. c.1783C>T has been reported in the literature in at least one compound heterozygous individual with short stature (Kamil_2021). However, these data do not allow any conclusion about variant significance. To our knowledge, no experimental evidence demonstrating an impact on protein function has been reported. The following publication has been ascertained in the context of this evaluation (PMID: 34217350). No submitters have cited clinical-significance assessments for this variant to ClinVar. Based on the evidence outlined above, the variant was classified as uncertain significance.

Literature cited by the submitters: PubMed 34217350.